The following is an entry in ClinVar:

NM_181332.3(NLGN4X):c.209T>C (p.Val70Ala)

Gene: NLGN4X (neuroligin 4 X-linked; minus strand). Cytogenetic location: Xp22.31.
Variant type: single nucleotide variant.
Coding change: c.209T>C on transcript NM_181332.3 (MANE Select); coding-DNA position 209, T replaced by C.
Protein change: p.Val70Ala; replaces valine 70 with alanine.
Molecular consequence: missense variant.
Genome position (GRCh38, 1-based): chrX:6,151,258, A>G on the plus strand (T>C on the coding strand, the complement: NLGN4X is on the minus strand). VCF-style: chrX-6151258-A-G. GRCh37 (hg19) VCF-style: chrX-6069299-A-G.
Other names: c.209T>C, p.Val70Ala (NM_001282145.2, NM_001282146.2, NM_020742.4); short protein forms V70A.
Identifiers: ClinVar variation 3906345 (VCV003906345.1).
Genomic context (GRCh38, chrX:6,151,258, plus strand): 5'-GGCTGAAACCGCCTCTCTCCAGTGGGGGGTGAGGCATAGGGGACCCCTAAGTACTGCTCC[A>G]CTGGACCCAAGATCTCATTGGGTAACGGTGTTCTTAGGCCCCGGATTTTGCCATAATTTG-3'
Protein context (NP_851849.1, residues 60-80): TPLPNEILGP[Val70Ala]EQYLGVPYAS

ClinVar aggregate classification (germline): Uncertain significance (1 of 4 stars; one submission).

Submission:

GeneDx
Classification: Uncertain significance. Last evaluated: 2024-12-21. Review status: criteria provided, single submitter. Criteria: GeneDx Variant Classification Process June 2021. Collection method: clinical testing. Allele origin: germline. Affected: yes.
Comment: Not observed at significant frequency in large population cohorts (gnomAD); In silico analysis supports that this missense variant has a deleterious effect on protein structure/function; Has not been previously published as pathogenic or benign to our knowledge